The following is an entry in ClinVar:

ClinVar aggregate classification (germline): Uncertain significance (1 of 4 stars; one submission).

Conditions:
Spastic paraplegia. Identifiers: MedGen C0037772, HP:0001258.

gnomAD v4.1: 2 of 1,210,710 alleles (0.00017%); highest among the groups gnomAD compares: Non-Finnish European, 0.00022%; no homozygotes.

Submission:

Labcorp Genetics (formerly Invitae), Labcorp
Classification: Uncertain significance for Spastic paraplegia. Last evaluated: 2025-10-23. Review status: criteria provided, single submitter. Criteria: Invitae Variant Classification Sherloc (09022015). Collection method: clinical testing. Allele origin: germline.
Comment: This sequence change replaces arginine, which is basic and polar, with glycine, which is neutral and non-polar, at codon 1109 of the L1CAM protein (p.Arg1109Gly). This variant is not present in population databases (gnomAD no frequency). This variant has not been reported in the literature in individuals affected with L1CAM-related conditions. An algorithm developed to predict the effect of missense changes on protein structure and function (PolyPhen-2) suggests that this variant is likely to be tolerated. In summary, the available evidence is currently insufficient to determine the role of this variant in disease. Therefore, it has been classified as a Variant of Uncertain Significance.

NM_001278116.2(L1CAM):c.3325C>G (p.Arg1109Gly)

Gene: L1CAM (L1 cell adhesion molecule; minus strand). Cytogenetic location: Xq28.
Variant type: single nucleotide variant.
Coding change: c.3325C>G on transcript NM_001278116.2 (MANE Select); coding-DNA position 3325, C replaced by G.
Protein change: p.Arg1109Gly; replaces arginine 1109 with glycine.
Molecular consequence: missense variant.
Genome position (GRCh38, 1-based): chrX:153,864,015, G>C on the plus strand (C>G on the coding strand, the complement: L1CAM is on the minus strand). VCF-style: chrX-153864015-G-C. GRCh37 (hg19) VCF-style: chrX-153129470-G-C.
Other names: c.3325C>G, p.Arg1109Gly (NM_000425.5, NM_024003.3); c.3310C>G, p.Arg1104Gly (NM_001143963.2); short protein forms R1109G, R1104G.
Identifiers: ClinVar variation 4737054 (VCV004737054.1).